The following is an entry in ClinVar:

NM_152464.3(VMA12):c.212-7T>G

Gene: VMA12 (vacuolar ATPase assembly factor VMA12; plus strand). Cytogenetic location: 17q11.2.
Variant type: single nucleotide variant.
Coding change: c.212-7T>G on transcript NM_152464.3 (MANE Select); 7 bases into the intron before coding-DNA position 212, T replaced by G.
Molecular consequence: intron variant.
Genome position (GRCh38, 1-based): chr17:28,358,909, T>G. VCF-style: chr17-28358909-T-G. GRCh37 (hg19) VCF-style: chr17-26685932-T-G.
Identifiers: ClinVar variation 3649132 (VCV003649132.2).

ClinVar aggregate classification (germline): Uncertain significance (1 of 4 stars; one submission).

gnomAD v4.1: 6 of 1,605,680 alleles (0.00037%); highest among the groups gnomAD compares: Admixed American, 0.01%; no homozygotes.

Submission:

Labcorp Genetics (formerly Invitae), Labcorp
Classification: Uncertain significance. Last evaluated: 2025-01-01. Review status: criteria provided, single submitter. Criteria: Invitae Variant Classification Sherloc (09022015). Collection method: clinical testing. Allele origin: germline.
Comment: This sequence change falls in intron 1 of the TMEM199 gene. It does not directly change the encoded amino acid sequence of the TMEM199 protein. This variant is present in population databases (rs781938404, gnomAD 0.02%). This variant has not been reported in the literature in individuals affected with TMEM199-related conditions. Algorithms developed to predict the effect of sequence changes on RNA splicing suggest that this variant may disrupt the consensus splice site. In summary, the available evidence is currently insufficient to determine the role of this variant in disease. Therefore, it has been classified as a Variant of Uncertain Significance.